The following is an entry in ClinVar:

ClinVar aggregate classification (germline): Uncertain significance (1 of 4 stars; one submission).

Allele frequency attached by ClinVar (database versions not stated): gnomAD exomes below 0.00001; TOPMed below 0.00001; gnomAD 0.00001.
gnomAD v4.1: 4 of 1,611,846 alleles (0.00025%); highest among the groups gnomAD compares: African/African-American, 0.0053%; no homozygotes.

Submission:

GeneDx
Classification: Uncertain significance. Last evaluated: 2019-12-04. Review status: criteria provided, single submitter. Criteria: GeneDx Variant Classification Process June 2021. Collection method: clinical testing. Allele origin: germline. Affected: yes.
Comment: In silico analysis, which includes protein predictors and evolutionary conservation, supports a deleterious effect; Has not been previously published as pathogenic or benign to our knowledge

NM_001382347.1(MYO5A):c.968T>C (p.Met323Thr)

Gene: MYO5A (myosin VA; minus strand). Cytogenetic location: 15q21.2.
Variant type: single nucleotide variant.
Coding change: c.968T>C on transcript NM_001382347.1 (MANE Select); coding-DNA position 968, T replaced by C.
Protein change: p.Met323Thr; replaces methionine 323 with threonine.
Molecular consequence: missense variant.
Genome position (GRCh38, 1-based): chr15:52,405,372, A>G on the plus strand (T>C on the coding strand, the complement: MYO5A is on the minus strand). VCF-style: chr15-52405372-A-G. GRCh37 (hg19) VCF-style: chr15-52697569-A-G.
Other names: c.968T>C, p.Met323Thr (NM_000259.3, NM_001142495.2); c.1040T>C, p.Met347Thr (NM_001382348.1, NM_001382349.1); short protein forms M323T, M347T.
Identifiers: ClinVar variation 1310668 (VCV001310668.2), dbSNP rs1172688121, ClinGen allele CA392508371.
Genomic context (GRCh38, chr15:52,405,372, plus strand): 5'-CGGGATGTAAATCCAACATTGCCTAAGTGAAGGATGCCAGCAAGTATTCGGAAAATTCCC[A>G]TTTGATGAGATTCACTAATTCCTGAAACAAGAGAGTGAATGAACAAGTGATTAATTTCAG-3'
Protein context (NP_001369276.1, residues 313-333): TLLGISESHQ[Met323Thr]GIFRILAGIL